The following is an entry in ClinVar:

NM_002180.3(IGHMBP2):c.598G>A (p.Val200Ile)

Gene: IGHMBP2 (immunoglobulin mu DNA binding protein 2; plus strand). Cytogenetic location: 11q13.3.
Variant type: single nucleotide variant.
Coding change: c.598G>A on transcript NM_002180.3 (MANE Select); coding-DNA position 598, G replaced by A.
Protein change: p.Val200Ile; replaces valine 200 with isoleucine.
Molecular consequence: missense variant.
Genome position (GRCh38, 1-based): chr11:68,911,490, G>A. VCF-style: chr11-68911490-G-A. GRCh37 (hg19) VCF-style: chr11-68678958-G-A.
Other names: c.598G>A (NM_002180.2); short protein forms V200I.
Identifiers: ClinVar variation 1423027 (VCV001423027.7), dbSNP rs369509318, ClinGen allele CA223389026.

ClinVar aggregate classification (germline): Uncertain significance. Review status: criteria provided, multiple submitters, no conflicts (2 of 4 stars). 2 submissions from 2 submitters: Uncertain significance (2). Last evaluated 2024-02-21.

Conditions:
Autosomal recessive distal spinal muscular atrophy 1. Also called: Spinal muscular atrophy with respiratory distress 1; NEURONOPATHY, DISTAL HEREDITARY MOTOR, HARDING TYPE VI; NEUROPATHY, DISTAL HEREDITARY MOTOR, AUTOSOMAL RECESSIVE 1; NEURONOPATHY, SEVERE INFANTILE AXONAL, WITH RESPIRATORY FAILURE; HMN VI; SEVERE INFANTILE AXONAL NEUROPATHY WITH RESPIRATORY FAILURE. Identifiers: Orphanet 98920, MedGen C1858517, MONDO:0011436, OMIM 604320.
Charcot-Marie-Tooth disease axonal type 2S. Also called: CHARCOT-MARIE-TOOTH DISEASE, AXONAL, AUTOSOMAL RECESSIVE, TYPE 2S; CHARCOT-MARIE-TOOTH NEUROPATHY, TYPE 2S. Identifiers: Orphanet 443073, MedGen C4015349, MONDO:0014511, OMIM 616155.
Inborn genetic diseases. Identifiers: MedGen C0950123, MeSH D030342.

Allele frequency attached by ClinVar (database versions not stated): TOPMed below 0.00001; ESP Exome Variant Server 0.00008.

Submissions (2):

Ambry Genetics
Classification: Uncertain significance for Inborn genetic diseases. Last evaluated: 2024-02-21. Review status: criteria provided, single submitter. Criteria: Ambry Variant Classification Scheme 2023. Collection method: clinical testing. Allele origin: germline.

Labcorp Genetics (formerly Invitae), Labcorp
Classification: Uncertain significance for Autosomal recessive distal spinal muscular atrophy 1; Charcot-Marie-Tooth disease axonal type 2S. Last evaluated: 2022-07-06. Review status: criteria provided, single submitter. Criteria: Invitae Variant Classification Sherloc (09022015). Collection method: clinical testing. Allele origin: germline.
Comment: This sequence change replaces valine, which is neutral and non-polar, with isoleucine, which is neutral and non-polar, at codon 200 of the IGHMBP2 protein (p.Val200Ile). This variant is not present in population databases (gnomAD no frequency). This variant has not been reported in the literature in individuals affected with IGHMBP2-related conditions. ClinVar contains an entry for this variant (Variation ID: 1423027). Algorithms developed to predict the effect of missense changes on protein structure and function are either unavailable or do not agree on the potential impact of this missense change (SIFT: "Tolerated"; PolyPhen-2: "Possibly Damaging"; Align-GVGD: "Class C0"). In summary, the available evidence is currently insufficient to determine the role of this variant in disease. Therefore, it has been classified as a Variant of Uncertain Significance.